The following is an entry in ClinVar:

NM_006206.6(PDGFRA):c.907A>G (p.Lys303Glu)

Gene: PDGFRA (platelet derived growth factor receptor alpha; plus strand). Cytogenetic location: 4q12.
Variant type: single nucleotide variant.
Coding change: c.907A>G on transcript NM_006206.6 (MANE Select); coding-DNA position 907, A replaced by G.
Protein change: p.Lys303Glu; replaces lysine 303 with glutamic acid.
Molecular consequence: missense variant.
Genome position (GRCh38, 1-based): chr4:54,267,436, A>G. VCF-style: chr4-54267436-A-G. GRCh37 (hg19) VCF-style: chr4-55133603-A-G.
Other names: c.907A>G, p.Lys303Glu (NM_001347827.2, NM_001347829.2); c.982A>G, p.Lys328Glu (NM_001347828.2); c.946A>G, p.Lys316Glu (NM_001347830.2); short protein forms K328E, K303E, K316E.
Identifiers: ClinVar variation 2615344 (VCV002615344.2), dbSNP rs2475454147, ClinGen allele CA356891363.

ClinVar aggregate classification (germline): Uncertain significance (1 of 4 stars; one submission).

Conditions:
Hereditary cancer-predisposing syndrome. Also called: Tumor predisposition; Hereditary Cancer Syndrome; Hereditary neoplastic syndrome; Neoplastic Syndromes, Hereditary. Identifiers: Orphanet 140162, MedGen C0027672, MeSH D009386, MONDO:0015356.

Submission:

Ambry Genetics
Classification: Uncertain significance for Hereditary cancer-predisposing syndrome. Last evaluated: 2023-08-05. Review status: criteria provided, single submitter. Criteria: Ambry Variant Classification Scheme 2023. Collection method: clinical testing. Allele origin: germline.
Comment: The p.K303E variant (also known as c.907A>G), located in coding exon 5 of the PDGFRA gene, results from an A to G substitution at nucleotide position 907. The lysine at codon 303 is replaced by glutamic acid, an amino acid with similar properties. This amino acid position is conserved. In addition, the in silico prediction for this alteration is inconclusive. Since supporting evidence is limited at this time, the clinical significance of this alteration remains unclear.